The following is an entry in ClinVar:

NM_000138.5(FBN1):c.2638G>C (p.Gly880Arg)

Gene: FBN1 (fibrillin 1; minus strand). Cytogenetic location: 15q21.1.
Variant type: single nucleotide variant.
Coding change: c.2638G>C on transcript NM_000138.5 (MANE Select); coding-DNA position 2638, G replaced by C.
Protein change: p.Gly880Arg; replaces glycine 880 with arginine.
Molecular consequence: missense variant.
Genome position (GRCh38, 1-based): chr15:48,495,162, C>G on the plus strand (G>C on the coding strand, the complement: FBN1 is on the minus strand). VCF-style: chr15-48495162-C-G. GRCh37 (hg19) VCF-style: chr15-48787359-C-G.
Other names: short protein forms G880R.
Identifiers: ClinVar variation 406335 (VCV000406335.8), dbSNP rs794728194, ClinGen allele CA16614821.
Genomic context (GRCh38, chr15:48,495,162, plus strand): 5'-CACAGCATGGGTTTCTCTTACCAACTTGGCATAGGGTGCACGGGCTTCCCCACGCAGCAC[C>G]GAGGGAGGAGCAGCACTGGGACTTTAAGGTGGCTCCATTGATGTTGATCTCACATCGCCC-3'
Protein context (NP_000129.3, residues 870-890): TLKSQCCSSL[Gly880Arg]AAWGSPCTLC

ClinVar aggregate classification (germline): Pathogenic/Likely pathogenic. Review status: criteria provided, multiple submitters, no conflicts (2 of 4 stars). 2 submissions from 2 submitters: Pathogenic (1); Likely pathogenic (1). Last evaluated 2024-06-04.

Conditions:
Marfan syndrome (MFS). Also called: Marfan syndrome, classic; Marfan syndrome type 1; Marfan's syndrome; MARFAN SYNDROME, TYPE I; FBN1-Related Marfan Syndrome. Identifiers: Orphanet 284963, Orphanet 558, MedGen C0024796, MONDO:0007947, OMIM 154700.
Familial thoracic aortic aneurysm and aortic dissection (TAAD). Also called: Thoracic aortic aneurysms and dissections. Identifiers: Orphanet 91387, MedGen C4707243, MONDO:0019625.

Submissions (2):

GeneDx
Classification: Likely pathogenic. Last evaluated: 2024-06-04. Review status: criteria provided, single submitter. Criteria: GeneDx Variant Classification Process June 2021. Collection method: clinical testing. Allele origin: germline. Affected: yes.
Comment: Has not been previously published as pathogenic or benign in association with an FBN1-related disorder to our knowledge; Not observed at significant frequency in large population cohorts (gnomAD); In silico analysis supports that this missense variant has a deleterious effect on protein structure/function; Although located in a TGF-binding protein domain (aka TB domain or 8-Cysteine domain), it does not affect a cysteine residue within this domain; other missense substitutions that affect cysteine residues within this TGF-binding protein domain have been reported in association with various FBN1-related phenotypes (HGMD); This variant is associated with the following publications: (PMID: 27906200)

Labcorp Genetics (formerly Invitae), Labcorp
Classification: Pathogenic for Marfan syndrome; Familial thoracic aortic aneurysm and aortic dissection. Last evaluated: 2021-09-23. Review status: criteria provided, single submitter. Criteria: Invitae Variant Classification Sherloc (09022015). Collection method: clinical testing. Allele origin: germline.
Comment: ClinVar contains an entry for this variant (Variation ID: 406335). For these reasons, this variant has been classified as Pathogenic. This variant disrupts the p.Gly880 amino acid residue in FBN1. Other variant(s) that disrupt this residue have been determined to be pathogenic (PMID: 12402346, 15821637, 18435798, 22772377). This suggests that this residue is clinically significant, and that variants that disrupt this residue are likely to be disease-causing. Algorithms developed to predict the effect of missense changes on protein structure and function are either unavailable or do not agree on the potential impact of this missense change (SIFT: "Deleterious"; PolyPhen-2: "Probably Damaging"; Align-GVGD: "Class C15"). This missense change has been observed in individual(s) with Marfan syndrome (Invitae). In at least one individual the variant was observed to be de novo. This variant is not present in population databases (ExAC no frequency). This sequence change replaces glycine with arginine at codon 880 of the FBN1 protein (p.Gly880Arg). The glycine residue is highly conserved and there is a moderate physicochemical difference between glycine and arginine.

Literature cited by the submitters: PubMed 12402346 (cited by Labcorp Genetics (formerly Invitae), Labcorp); PubMed 15821637 (cited by Labcorp Genetics (formerly Invitae), Labcorp); PubMed 18435798 (cited by Labcorp Genetics (formerly Invitae), Labcorp); PubMed 22772377 (cited by Labcorp Genetics (formerly Invitae), Labcorp).